The following is an entry in ClinVar:

NM_018474.6(KIZ):c.199T>G (p.Cys67Gly)

Gene: KIZ (kizuna centrosomal protein; plus strand). Cytogenetic location: 20p11.23.
Variant type: single nucleotide variant.
Coding change: c.199T>G on transcript NM_018474.6 (MANE Select); coding-DNA position 199, T replaced by G.
Protein change: p.Cys67Gly; replaces cysteine 67 with glycine.
Molecular consequence: missense variant. On other transcripts: 5 prime UTR variant (1), intron variant (4).
Genome position (GRCh38, 1-based): chr20:21,136,436, T>G. VCF-style: chr20-21136436-T-G. GRCh37 (hg19) VCF-style: chr20-21117077-T-G.
Other names: c.199T>G, p.Cys67Gly (NM_001352434.2); c.-188T>G (NM_001352436.2); c.169-9129T>G (NM_001276389.2); c.6+4277T>G (NM_001163022.3, NM_001352435.2, NM_001163023.3); short protein forms C67G.
Identifiers: ClinVar variation 1393763 (VCV001393763.5), dbSNP rs1364261058, ClinGen allele CA408488424.

ClinVar aggregate classification (germline): Uncertain significance. Review status: criteria provided, multiple submitters, no conflicts (2 of 4 stars). 2 submissions from 2 submitters: Uncertain significance (2). Last evaluated 2024-06-17.

Allele frequency attached by ClinVar (database versions not stated): TOPMed 0.00002.
gnomAD v4.1: 4 of 1,567,954 alleles (0.00026%); highest among the groups gnomAD compares: Non-Finnish European, 0.00035%; no homozygotes.

Submissions (2):

Blueprint Genetics
Classification: Uncertain significance. Last evaluated: 2024-06-17. Review status: criteria provided, single submitter. Criteria: ACMG Guidelines, 2015. Collection method: clinical testing. Allele origin: germline.

Labcorp Genetics (formerly Invitae), Labcorp
Classification: Uncertain significance. Last evaluated: 2023-11-20. Review status: criteria provided, single submitter. Criteria: Invitae Variant Classification Sherloc (09022015). Collection method: clinical testing. Allele origin: germline.
Comment: This sequence change replaces cysteine with glycine at codon 67 of the KIZ protein (p.Cys67Gly). The cysteine residue is moderately conserved and there is a large physicochemical difference between cysteine and glycine. This variant is not present in population databases (gnomAD no frequency). This variant has not been reported in the literature in individuals affected with KIZ-related conditions. ClinVar contains an entry for this variant (Variation ID: 1393763). Experimental studies and prediction algorithms are not available or were not evaluated, and the functional significance of this variant is currently unknown. In summary, the available evidence is currently insufficient to determine the role of this variant in disease. Therefore, it has been classified as a Variant of Uncertain Significance.